The following is an entry in ClinVar:

ClinVar aggregate classification (germline): Likely pathogenic (1 of 4 stars; one submission).

Conditions:
CUX1-related disorder. Also called: CUX1-related condition.

Submission:

PreventionGenetics, part of Exact Sciences
Classification: Likely pathogenic for CUX1-related condition. Last evaluated: 2023-09-07. Review status: criteria provided, single submitter. Criteria: ACMG Guidelines, 2015. Collection method: clinical testing. Allele origin: germline.
Comment: The CUX1 c.2844_2851del8 variant is predicted to result in a frameshift and premature protein termination (p.Tyr949Profs*13). To our knowledge, this variant has not been reported in the literature or in a large population database, indicating this variant is rare. Frameshift variants in CUX1 are expected to be pathogenic. This variant is interpreted as likely pathogenic.

NM_181552.4(CUX1):c.2811_2818del (p.Tyr938fs)

Gene: CUX1 (cut like homeobox 1; plus strand). Cytogenetic location: 7q22.1.
Variant type: Deletion.
Coding change: c.2811_2818del on transcript NM_181552.4 (MANE Select); coding-DNA positions 2811 to 2818, 8 bases deleted (CTACATGT; older notation c.2811_2818delCTACATGT).
Protein change: p.Tyr938fs; shifts the reading frame from tyrosine 938.
Molecular consequence: frameshift variant. On other transcripts: intron variant (5).
Genome position (GRCh38, 1-based): chr7:102,202,108-102,202,115, CTACATGT deleted; deleting any 8 consecutive bases within chr7:102,202,106-102,202,115 gives the same sequence; the c. name uses the placement nearest the transcript's 3' end. VCF-style (leftmost placement, unchanged base first): chr7-102202105-GGTCTACAT-G. GRCh37 (hg19) VCF-style: chr7-101845385-GGTCTACAT-G.
Other names: c.2844_2851del, p.Tyr949fs (NM_001202543.2); c.1255+6505_1255+6512del (NM_001913.5); c.1249+6505_1249+6512del (NM_181500.4); c.1117+6505_1117+6512del (NM_001202545.3); c.1207+6505_1207+6512del (NM_001202544.3); c.1138+6505_1138+6512del (NM_001202546.3); short protein forms Y938fs, Y949fs.
Identifiers: ClinVar variation 2631110 (VCV002631110.1), dbSNP rs2485473836, ClinGen allele CA2695199602.